The following is an entry in ClinVar:

ClinVar aggregate classification (germline): Benign/Likely benign. Review status: criteria provided, multiple submitters, no conflicts (2 of 4 stars). 5 submissions from 5 submitters: Benign (2); Likely benign (3). Last evaluated 2026-06-01.

Conditions:
Spinocerebellar ataxia 43 (SCA43). Identifiers: Orphanet 497764, MedGen C4310763, MONDO:0014867, OMIM 617018.
Charcot-Marie-Tooth disease axonal type 2T. Identifiers: Orphanet 443950, MedGen C4015635, OMIM 617017, MONDO:0014866.

Allele frequency attached by ClinVar (database versions not stated): 1000 Genomes Project 0.00180; 1000 Genomes Project 30x 0.00187; gnomAD 0.00413 and 0.00459; TOPMed 0.00484; ESP Exome Variant Server 0.00538.
gnomAD v4.1: 1,234 of 1,612,916 alleles (0.077%); highest among the groups gnomAD compares: African/African-American, 1.5%; 13 homozygotes.

Submissions (5):

CeGaT Center for Human Genetics Tuebingen
Classification: Benign. Last evaluated: 2026-06-01. Review status: criteria provided, single submitter. Criteria: CeGaT Center For Human Genetics Tuebingen Variant Classification Criteria Version 2. Collection method: clinical testing. Allele origin: germline. Affected: yes. Observed: 1 variant allele.
Comment: MME: BS1, BS2

Labcorp Genetics (formerly Invitae), Labcorp
Classification: Benign. Last evaluated: 2026-01-27. Review status: criteria provided, single submitter. Criteria: Invitae Variant Classification Sherloc (09022015). Collection method: clinical testing. Allele origin: germline.

Blueprint Genetics
Classification: Likely benign. Last evaluated: 2024-08-20. Review status: criteria provided, single submitter. Criteria: ACMG Guidelines, 2015. Collection method: clinical testing. Allele origin: germline.

Fulgent Genetics
Classification: Likely benign for Charcot-Marie-Tooth disease axonal type 2T; Spinocerebellar ataxia 43. Last evaluated: 2022-05-17. Review status: criteria provided, single submitter. Criteria: ACMG Guidelines, 2015. Collection method: clinical testing. Allele origin: unknown.

GeneDx
Classification: Likely benign. Last evaluated: 2019-12-02. Review status: criteria provided, single submitter. Criteria: GeneDx Variant Classification Process June 2021. Collection method: clinical testing. Allele origin: germline. Affected: yes.

NM_007289.4(MME):c.1255A>C (p.Met419Leu)

Gene: MME (membrane metalloendopeptidase; plus strand). Cytogenetic location: 3q25.2.
Variant type: single nucleotide variant.
Coding change: c.1255A>C on transcript NM_007289.4 (MANE Select); coding-DNA position 1255, A replaced by C.
Protein change: p.Met419Leu; replaces methionine 419 with leucine.
Molecular consequence: missense variant.
Genome position (GRCh38, 1-based): chr3:155,143,509, A>C. VCF-style: chr3-155143509-A-C. GRCh37 (hg19) VCF-style: chr3-154861298-A-C.
Other names: c.1255A>C, p.Met419Leu (NM_000902.5, NM_001354642.2, NM_001354643.1 and 2 more transcripts); short protein forms M419L.
Identifiers: ClinVar variation 775918 (VCV000775918.17), dbSNP rs34931605, ClinGen allele CA2675438.